The following is an entry in ClinVar:

ClinVar aggregate classification (germline): Likely benign. Review status: criteria provided, multiple submitters, no conflicts (2 of 4 stars). 2 submissions from 2 submitters: Likely benign (2). Last evaluated 2024-11-01.

Allele frequency attached by ClinVar (database versions not stated): 1000 Genomes Project 30x 0.00016; 1000 Genomes Project 0.00020; gnomAD 0.00023; gnomAD exomes 0.00028; TOPMed 0.00032; ESP Exome Variant Server 0.00034; ExAC 0.00044.
gnomAD v4.1: 457 of 1,613,840 alleles (0.028%); highest among the groups gnomAD compares: Middle Eastern, 0.16%; 1 homozygote.

Submissions (2):

Blueprint Genetics
Classification: Likely benign. Last evaluated: 2024-11-01. Review status: criteria provided, single submitter. Criteria: ACMG Guidelines, 2015. Collection method: clinical testing. Allele origin: germline.

CeGaT Center for Human Genetics Tuebingen
Classification: Likely benign. Last evaluated: 2024-03-01. Review status: criteria provided, single submitter. Criteria: CeGaT Center For Human Genetics Tuebingen Variant Classification Criteria Version 2. Collection method: clinical testing. Allele origin: germline. Affected: yes. Observed: 1 variant allele.
Comment: KIF5C: BP4, BP7

NM_004522.3(KIF5C):c.1038T>C (p.Tyr346=)

Gene: KIF5C (kinesin family member 5C; plus strand). Cytogenetic location: 2q23.1.
Variant type: single nucleotide variant.
Coding change: c.1038T>C on transcript NM_004522.3 (MANE Select); coding-DNA position 1038, T replaced by C.
Protein change: p.Tyr346=; no amino-acid change (tyrosine 346 retained).
Molecular consequence: synonymous variant. On other transcripts: non-coding transcript variant (1).
Genome position (GRCh38, 1-based): chr2:148,962,040, T>C. VCF-style: chr2-148962040-T-C. GRCh37 (hg19) VCF-style: chr2-149818554-T-C.
Identifiers: ClinVar variation 3067305 (VCV003067305.22), dbSNP rs148636726, ClinGen allele CA1901357.